The following is an entry in ClinVar:

ClinVar aggregate classification (germline): Pathogenic (1 of 4 stars; one submission).

Submission:

Labcorp Genetics (formerly Invitae), Labcorp
Classification: Pathogenic. Last evaluated: 2022-01-11. Review status: criteria provided, single submitter. Criteria: Invitae Variant Classification Sherloc (09022015). Collection method: clinical testing. Allele origin: germline.
Comment: For these reasons, this variant has been classified as Pathogenic. This variant has not been reported in the literature in individuals affected with PRDM5-related conditions. This variant is not present in population databases (gnomAD no frequency). This sequence change creates a premature translational stop signal (p.Leu48Trpfs*9) in the PRDM5 gene. It is expected to result in an absent or disrupted protein product. Loss-of-function variants in PRDM5 are known to be pathogenic (PMID: 21664999, 26395458).

Literature cited by the submitters: PubMed 21664999; PubMed 26395458.

NM_018699.4(PRDM5):c.143del (p.Leu48fs)

Gene: PRDM5 (PR/SET domain 5; minus strand). Cytogenetic location: 4q27.
Variant type: Deletion.
Coding change: c.143del on transcript NM_018699.4 (MANE Select); coding-DNA position 143, one base deleted (T; older notation c.143delT).
Protein change: p.Leu48fs; shifts the reading frame from leucine 48.
Molecular consequence: frameshift variant.
Genome position (GRCh38, 1-based): chr4:120,907,508, A deleted on the plus strand (T on the coding strand, the reverse complement: PRDM5 is on the minus strand); the first of 2 consecutive A bases (chr4:120,907,508-120,907,509); deleting either gives the same sequence. VCF-style (leftmost placement, unchanged base first): chr4-120907507-CA-C. GRCh37 (hg19) VCF-style: chr4-121828662-CA-C.
Other names: c.143del, p.Leu48fs (NM_001300823.2, NM_001300824.2, NM_001379104.1 and 1 more transcripts); short protein forms L48fs.
Identifiers: ClinVar variation 2080144 (VCV002080144.4), dbSNP rs2479623086, ClinGen allele CA2580071425.